The following is an entry in ClinVar:

NM_018418.5(SPATA7):c.559G>C (p.Ala187Pro)

Gene: SPATA7 (spermatogenesis associated 7; plus strand). Cytogenetic location: 14q31.3.
Variant type: single nucleotide variant.
Coding change: c.559G>C on transcript NM_018418.5 (MANE Select); coding-DNA position 559, G replaced by C.
Protein change: p.Ala187Pro; replaces alanine 187 with proline.
Molecular consequence: missense variant.
Genome position (GRCh38, 1-based): chr14:88,426,418, G>C. VCF-style: chr14-88426418-G-C. GRCh37 (hg19) VCF-style: chr14-88892762-G-C.
Other names: c.463G>C, p.Ala155Pro (NM_001040428.4); short protein forms A155P, A187P.
Identifiers: ClinVar variation 1058649 (VCV001058649.9), dbSNP rs143636395, ClinGen allele CA390562981.

ClinVar aggregate classification (germline): Uncertain significance (1 of 4 stars; one submission).

Conditions:
Leber congenital amaurosis 3 (LCA3). Also called: SPATA7-Related Retinitis Pigmentosa. Identifiers: MedGen C1858677, MONDO:0011415, OMIM 604232.

Submission:

Labcorp Genetics (formerly Invitae), Labcorp
Classification: Uncertain significance for Leber congenital amaurosis 3. Last evaluated: 2024-11-11. Review status: criteria provided, single submitter. Criteria: Invitae Variant Classification Sherloc (09022015). Collection method: clinical testing. Allele origin: germline.
Comment: This sequence change replaces alanine, which is neutral and non-polar, with proline, which is neutral and non-polar, at codon 187 of the SPATA7 protein (p.Ala187Pro). This variant is not present in population databases (gnomAD no frequency). This variant has not been reported in the literature in individuals affected with SPATA7-related conditions. ClinVar contains an entry for this variant (Variation ID: 1058649). Invitae Evidence Modeling of protein sequence and biophysical properties (such as structural, functional, and spatial information, amino acid conservation, physicochemical variation, residue mobility, and thermodynamic stability) indicates that this missense variant is not expected to disrupt SPATA7 protein function with a negative predictive value of 80%. In summary, the available evidence is currently insufficient to determine the role of this variant in disease. Therefore, it has been classified as a Variant of Uncertain Significance.